The following is an entry in ClinVar:

NM_001252024.2(TRPM1):c.3908A>C (p.Glu1303Ala)

Gene: TRPM1 (transient receptor potential cation channel subfamily M member 1; minus strand). Cytogenetic location: 15q13.3.
Variant type: single nucleotide variant.
Coding change: c.3908A>C on transcript NM_001252024.2 (MANE Select); coding-DNA position 3908, A replaced by C.
Protein change: p.Glu1303Ala; replaces glutamic acid 1303 with alanine.
Molecular consequence: missense variant.
Genome position (GRCh38, 1-based): chr15:31,002,792, T>G on the plus strand (A>C on the coding strand, the complement: TRPM1 is on the minus strand). VCF-style: chr15-31002792-T-G. GRCh37 (hg19) VCF-style: chr15-31294995-T-G.
Other names: c.3842A>C (NM_002420.4); c.3959A>C, p.Glu1320Ala (NM_001252020.2); c.3842A>C, p.Glu1281Ala (NM_002420.6); short protein forms E1281A, E1303A, E1320A.
Identifiers: ClinVar variation 1486145 (VCV001486145.33), dbSNP rs367816046, ClinGen allele CA7451731.

ClinVar aggregate classification (germline): Uncertain significance. Review status: criteria provided, multiple submitters, no conflicts (2 of 4 stars). 4 submissions from 4 submitters: Uncertain significance (4). Last evaluated 2025-05-29.

Conditions:
Inborn genetic diseases. Identifiers: MedGen C0950123, MeSH D030342.

Allele frequency attached by ClinVar (database versions not stated): gnomAD exomes 0.00001 and 0.00002; ExAC 0.00002; gnomAD 0.00002 and 0.00003; TOPMed 0.00004; ESP Exome Variant Server 0.00008.
gnomAD v4.1: 45 of 1,614,082 alleles (0.0028%); highest among the groups gnomAD compares: Middle Eastern, 0.016%; no homozygotes.

Submissions (4):

Ambry Genetics
Classification: Uncertain significance for Inborn genetic diseases. Last evaluated: 2025-05-29. Review status: criteria provided, single submitter. Criteria: Ambry Variant Classification Scheme 2023. Collection method: clinical testing. Allele origin: germline.

Labcorp Genetics (formerly Invitae), Labcorp
Classification: Uncertain significance. Last evaluated: 2025-03-24. Review status: criteria provided, single submitter. Criteria: Invitae Variant Classification Sherloc (09022015). Collection method: clinical testing. Allele origin: germline.
Comment: This sequence change replaces glutamic acid, which is acidic and polar, with alanine, which is neutral and non-polar, at codon 1281 of the TRPM1 protein (p.Glu1281Ala). This variant is present in population databases (rs367816046, gnomAD 0.002%). This variant has not been reported in the literature in individuals affected with TRPM1-related conditions. ClinVar contains an entry for this variant (Variation ID: 1486145). Invitae Evidence Modeling of protein sequence and biophysical properties (such as structural, functional, and spatial information, amino acid conservation, physicochemical variation, residue mobility, and thermodynamic stability) indicates that this missense variant is not expected to disrupt TRPM1 protein function with a negative predictive value of 95%. In summary, the available evidence is currently insufficient to determine the role of this variant in disease. Therefore, it has been classified as a Variant of Uncertain Significance.

Blueprint Genetics
Classification: Uncertain significance. Last evaluated: 2024-08-06. Review status: criteria provided, single submitter. Criteria: ACMG Guidelines, 2015. Collection method: clinical testing. Allele origin: germline.

CeGaT Center for Human Genetics Tuebingen
Classification: Uncertain significance. Last evaluated: 2023-09-01. Review status: criteria provided, single submitter. Criteria: CeGaT Center For Human Genetics Tuebingen Variant Classification Criteria Version 2. Collection method: clinical testing. Allele origin: germline. Affected: yes. Observed: 1 variant allele.
Comment: TRPM1: PM2, BP4